The following is an entry in ClinVar:

NM_001386140.1(MTTP):c.2343G>C (p.Arg781Ser)

Gene: MTTP (microsomal triglyceride transfer protein; plus strand). Cytogenetic location: 4q23.
Variant type: single nucleotide variant.
Coding change: c.2343G>C on transcript NM_001386140.1 (MANE Select); coding-DNA position 2343, G replaced by C.
Protein change: p.Arg781Ser; replaces arginine 781 with serine.
Molecular consequence: missense variant.
Genome position (GRCh38, 1-based): chr4:99,621,061, G>C. VCF-style: chr4-99621061-G-C. GRCh37 (hg19) VCF-style: chr4-100542218-G-C.
Other names: c.2343G>C, p.Arg781Ser (NM_000253.4); c.2094G>C, p.Arg698Ser (NM_001300785.2); short protein forms R781S, R698S.
Identifiers: ClinVar variation 2083121 (VCV002083121.4), dbSNP rs2476161573, ClinGen allele CA357519321.

ClinVar aggregate classification (germline): Uncertain significance (1 of 4 stars; one submission).

Submission:

Labcorp Genetics (formerly Invitae), Labcorp
Classification: Uncertain significance. Last evaluated: 2022-01-15. Review status: criteria provided, single submitter. Criteria: Invitae Variant Classification Sherloc (09022015). Collection method: clinical testing. Allele origin: germline.
Comment: This variant has not been reported in the literature in individuals affected with MTTP-related conditions. This variant is not present in population databases (gnomAD no frequency). This sequence change replaces arginine, which is basic and polar, with serine, which is neutral and polar, at codon 781 of the MTTP protein (p.Arg781Ser). In summary, the available evidence is currently insufficient to determine the role of this variant in disease. Therefore, it has been classified as a Variant of Uncertain Significance. Algorithms developed to predict the effect of sequence changes on RNA splicing suggest that this variant may disrupt the consensus splice site. Algorithms developed to predict the effect of missense changes on protein structure and function (SIFT, PolyPhen-2, Align-GVGD) all suggest that this variant is likely to be tolerated.